The following is an entry in ClinVar:

NM_173354.5(SIK1):c.1829G>T (p.Arg610Leu)

Gene: SIK1 (salt inducible kinase 1; minus strand). Cytogenetic location: 21q22.3.
Variant type: single nucleotide variant.
Coding change: c.1829G>T on transcript NM_173354.5 (MANE Select); coding-DNA position 1829, G replaced by T.
Protein change: p.Arg610Leu; replaces arginine 610 with leucine.
Molecular consequence: missense variant.
Genome position (GRCh38, 1-based): chr21:43,417,690, C>A on the plus strand (G>T on the coding strand, the complement: SIK1 is on the minus strand). VCF-style: chr21-43417690-C-A. GRCh37 (hg19) VCF-style: chr21-44837570-C-A.
Other names: short protein forms R610L.
Identifiers: ClinVar variation 1472322 (VCV001472322.8), dbSNP rs770153649, ClinGen allele CA410607210.

ClinVar aggregate classification (germline): Uncertain significance (1 of 4 stars; one submission).

Conditions:
Developmental and epileptic encephalopathy, 30 (DEE30). Also called: Epileptic encephalopathy, early infantile, 30. Identifiers: MedGen C4225360, MONDO:0014595, OMIM 616341.

Submission:

Labcorp Genetics (formerly Invitae), Labcorp
Classification: Uncertain significance for Developmental and epileptic encephalopathy, 30. Last evaluated: 2022-08-22. Review status: criteria provided, single submitter. Criteria: Invitae Variant Classification Sherloc (09022015). Collection method: clinical testing. Allele origin: germline.
Comment: In summary, the available evidence is currently insufficient to determine the role of this variant in disease. Therefore, it has been classified as a Variant of Uncertain Significance. Advanced modeling of protein sequence and biophysical properties (such as structural, functional, and spatial information, amino acid conservation, physicochemical variation, residue mobility, and thermodynamic stability) performed at Invitae indicates that this missense variant is not expected to disrupt SIK1 protein function. ClinVar contains an entry for this variant (Variation ID: 1472322). This missense change has been observed in individual(s) with clinical features of SIK1-related conditions (PMID: 31780880). This variant is not present in population databases (gnomAD no frequency). This sequence change replaces arginine, which is basic and polar, with leucine, which is neutral and non-polar, at codon 610 of the SIK1 protein (p.Arg610Leu).

Literature cited by the submitters: PubMed 31780880.